The following is an entry in ClinVar:

ClinVar aggregate classification (germline): Uncertain significance (1 of 4 stars; one submission).

Conditions:
Inborn genetic diseases. Identifiers: MedGen C0950123, MeSH D030342.

Submission:

Ambry Genetics
Classification: Uncertain significance for Inborn genetic diseases. Last evaluated: 2025-05-08. Review status: criteria provided, single submitter. Criteria: Ambry Variant Classification Scheme 2023. Collection method: clinical testing. Allele origin: germline.
Comment: The p.W682G variant (also known as c.2044T>G), located in coding exon 23 of the RTEL1 gene, results from a T to G substitution at nucleotide position 2044. The tryptophan at codon 682 is replaced by glycine, an amino acid with highly dissimilar properties. This amino acid position is conserved. In addition, this alteration is predicted to be deleterious by in silico analysis. Based on the available evidence, the clinical significance of this variant remains unclear.

NM_001283009.2(RTEL1):c.2044T>G (p.Trp682Gly)

Genes: RTEL1 (regulator of telomere elongation helicase 1; plus strand), RTEL1-TNFRSF6B (RTEL1-TNFRSF6B readthrough (NMD candidate); plus strand). Cytogenetic location: 20q13.33.
Variant type: single nucleotide variant.
Coding change: c.2044T>G on transcript NM_001283009.2 (MANE Select); coding-DNA position 2044, T replaced by G.
Protein change: p.Trp682Gly; replaces tryptophan 682 with glycine.
Molecular consequence: missense variant. On other transcripts: non-coding transcript variant (1).
Genome position (GRCh38, 1-based): chr20:63,689,768, T>G. VCF-style: chr20-63689768-T-G. GRCh37 (hg19) VCF-style: chr20-62321121-T-G.
Other names: c.1375T>G, p.Trp459Gly (NM_001283010.1); c.2044T>G, p.Trp682Gly (NM_016434.4); c.2116T>G, p.Trp706Gly (NM_032957.5); short protein forms W682G, W706G, W459G.
Identifiers: ClinVar variation 3948379 (VCV003948379.1).